The following is an entry in ClinVar:

NM_005902.4(SMAD3):c.1278G>A (p.Ter426=)

Gene: SMAD3 (SMAD family member 3; plus strand). Cytogenetic location: 15q22.33.
Variant type: single nucleotide variant.
Coding change: c.1278G>A on transcript NM_005902.4 (MANE Select); coding-DNA position 1278, G replaced by A.
Protein change: p.Ter426=.
Molecular consequence: synonymous variant.
Genome position (GRCh38, 1-based): chr15:67,190,536, G>A. VCF-style: chr15-67190536-G-A. GRCh37 (hg19) VCF-style: chr15-67482874-G-A.
Other names: c.963G>A, p.Ter321= (NM_001145102.2, NM_001407016.1); c.1146G>A, p.Ter382= (NM_001145103.2, NM_001407012.1); c.693G>A, p.Ter231= (NM_001145104.2, NM_001407017.1); c.1389G>A, p.Ter463= (NM_001407011.1); c.1140G>A, p.Ter380= (NM_001407013.1); c.1131G>A, p.Ter377= (NM_001407014.1); c.831G>A, p.Ter277= (NM_001407015.1).
Identifiers: ClinVar variation 4757448 (VCV004757448.1).

ClinVar aggregate classification (germline): Uncertain significance (1 of 4 stars; one submission).

Conditions:
Familial thoracic aortic aneurysm and aortic dissection (TAAD). Also called: Thoracic aortic aneurysms and dissections. Identifiers: Orphanet 91387, MedGen C4707243, MONDO:0019625.

Submission:

Color Diagnostics, LLC DBA Color Health
Classification: Uncertain significance for Familial thoracic aortic aneurysm and aortic dissection. Last evaluated: 2025-07-10. Review status: criteria provided, single submitter. Criteria: ACMG Guidelines, 2015. Collection method: clinical testing. Allele origin: germline.
Comment: This synonymous variant causes a nucleotide substitution but does not change the encoded translation stop codon in the SMAD3 protein. To our knowledge, functional studies have not been reported for this variant. This variant has not been reported in individuals affected with SMAD3-related disorders in the literature. This variant has not been identified in the general population by the Genome Aggregation Database (gnomAD). The available evidence is insufficient to determine the role of this variant in disease conclusively. Therefore, this variant is classified as a Variant of Uncertain Significance.